The following is an entry in ClinVar:

ClinVar aggregate classification (germline): Benign/Likely benign. Review status: criteria provided, multiple submitters, no conflicts (2 of 4 stars). 14 submissions from 14 submitters: Benign (10); Likely benign (1). 3 of the submissions do not count toward it. Last evaluated 2026-02-03.

Conditions:
Alstrom syndrome (ALMS). Identifiers: Orphanet 64, MedGen C0268425, MONDO:0008763, OMIM 203800.
Monogenic diabetes. Identifiers: Orphanet 183625, MedGen C3888631, MONDO:0015967.
Cardiovascular phenotype. Identifiers: MedGen CN230736.

Allele frequency attached by ClinVar (database versions not stated): gnomAD exomes 0.00511; ExAC 0.00610; 1000 Genomes Project 0.01917; gnomAD 0.01962 and 0.02105; 1000 Genomes Project 30x 0.02124; ESP Exome Variant Server 0.02176; TOPMed 0.02212.
gnomAD v4.1: 6,145 of 1,613,642 alleles (0.38%); highest among the groups gnomAD compares: African/African-American, 6.4%; 177 homozygotes.

Submissions (24):

Labcorp Genetics (formerly Invitae), Labcorp
Classification: Benign for Alstrom syndrome. Last evaluated: 2026-02-03. Review status: criteria provided, single submitter. Criteria: Invitae Variant Classification Sherloc (09022015). Collection method: clinical testing. Allele origin: germline.

Blueprint Genetics
Classification: Likely benign. Last evaluated: 2024-11-26. Review status: criteria provided, single submitter. Criteria: ACMG Guidelines, 2015. Collection method: clinical testing. Allele origin: germline.

ARUP Laboratories, Molecular Genetics and Genomics, ARUP Laboratories
Classification: Benign for Alstrom syndrome. Last evaluated: 2024-11-12. Review status: criteria provided, single submitter. Criteria: ARUP Molecular Germline Variant Investigation Process 2024. Collection method: clinical testing. Allele origin: germline.

Athena Diagnostics
Classification: Benign. Last evaluated: 2019-05-14. Review status: criteria provided, single submitter. Criteria: Athena Diagnostics Criteria. Collection method: clinical testing. Allele origin: germline.

Personalized Diabetes Medicine Program, University of Maryland School of Medicine
Classification: Benign for Monogenic diabetes. Last evaluated: 2019-02-08. Review status: criteria provided, single submitter. Criteria: ACMG Guidelines, 2015. Collection method: research. Allele origin: unknown. Observed: 13 variant alleles, 12 heterozygotes, 1 homozygote.
Comment: ACMG criteria: BP4 (REVEL 0.064 + 7 predictors; not using PP3/3 predictors), BA1 (6.3% MAF in gnomAD Africans), BS2 (56 homozygotes in gnomAD), BP1 (most ALMS1 pathogenic variants are truncating)=benign

Ambry Genetics
Classification: Benign for Cardiovascular phenotype. Last evaluated: 2018-12-24. Review status: criteria provided, single submitter. Criteria: Ambry Variant Classification Scheme 2023. Collection method: clinical testing. Allele origin: germline.

GeneDx
Classification: Benign. Last evaluated: 2016-10-12. Review status: criteria provided, single submitter. Criteria: GeneDx Variant Classification (06012015). Collection method: clinical testing. Allele origin: germline. Affected: yes.
Comment: This variant is considered likely benign or benign based on one or more of the following criteria: it is a conservative change, it occurs at a poorly conserved position in the protein, it is predicted to be benign by multiple in silico algorithms, and/or has population frequency not consistent with disease.

Laboratory for Molecular Medicine, Mass General Brigham Personalized Medicine
Classification: Benign. Last evaluated: 2016-03-21. Review status: criteria provided, single submitter. Criteria: LMM Criteria. Collection method: clinical testing. Allele origin: germline. Observed: 4 variant alleles.
Comment: p.Gly3755Ser in exon 16 of ALMS1: This variant is not expected to have clinical significance because it has been identified in 6.45% (623/9664) of African chrom osomes by the Exome Aggregation Consortium (ExAC ; dbSNP rs34927702).

Center for Pediatric Genomic Medicine, Children's Mercy Hospital and Clinics
Classification: Benign. Last evaluated: 2015-12-22. Review status: criteria provided, single submitter. Criteria: ACMG Guidelines, 2015. Collection method: clinical testing. Allele origin: germline.

Breakthrough Genomics
Classification: Benign. Review status: criteria provided, single submitter. Criteria: ACMG Guidelines, 2015. Collection method: not provided. Allele origin: germline. Inheritance: Autosomal recessive inheritance. Affected: yes.

Clinical Genomics, Uppaluri K&H Personalized Medicine Clinic
Classification: Benign for Alstrom syndrome. Review status: criteria provided, single submitter. Criteria: K & H Uppaluri Personalized Medicine Clinic Variant Classification & Assertion Criteria_Updated V.1. Collection method: research. Allele origin: unknown. Inheritance: Autosomal recessive inheritance.
Comment: Potent mutations in ALMS1 are associated with a rare condition called Alstrom syndrome. It can cause excessive eating, insulin resistance. However, no evidence is found to ascertain the role of rs34927702 in Alstrom syndrome yet.

Natera, Inc.
Classification: Benign for Alstrom syndrome. Last evaluated: 2020-09-16. Review status: no assertion criteria provided. Collection method: clinical testing. Allele origin: germline. Not counted in ClinVar's aggregate classification.

Dr. Peter K. Rogan Lab, Western University
No classification provided (evidence only). Condition: Clear cell carcinoma of kidney. Review status: no classification provided. Collection method: in vitro. Allele origin: not applicable. Functional consequence: retained intron. Not counted in ClinVar's aggregate classification.

Dr. Peter K. Rogan Lab, Western University
No classification provided (evidence only). Condition: Uterine corpus endometrial carcinoma. Review status: no classification provided. Collection method: in vitro. Allele origin: not applicable. Functional consequence: skipped exon, retained intron. Not counted in ClinVar's aggregate classification.

Dr. Peter K. Rogan Lab, Western University
No classification provided (evidence only). Condition: Cervical cancer. Review status: no classification provided. Collection method: in vitro. Allele origin: not applicable. Functional consequence: skipped exon. Not counted in ClinVar's aggregate classification.

Dr. Peter K. Rogan Lab, Western University
No classification provided (evidence only). Condition: Sarcoma. Review status: no classification provided. Collection method: in vitro. Allele origin: not applicable. Functional consequence: skipped exon, retained intron. Not counted in ClinVar's aggregate classification.

Dr. Peter K. Rogan Lab, Western University
No classification provided (evidence only). Condition: Hepatocellular carcinoma. Review status: no classification provided. Collection method: in vitro. Allele origin: not applicable. Functional consequence: retained intron. Not counted in ClinVar's aggregate classification.

Dr. Peter K. Rogan Lab, Western University
No classification provided (evidence only). Condition: Hepatocellular carcinoma. Review status: no classification provided. Collection method: in vitro. Allele origin: not applicable. Functional consequence: retained intron. Not counted in ClinVar's aggregate classification.

Dr. Peter K. Rogan Lab, Western University
No classification provided (evidence only). Condition: Nonpapillary renal cell carcinoma. Review status: no classification provided. Collection method: in vitro. Allele origin: not applicable. Functional consequence: skipped exon. Not counted in ClinVar's aggregate classification.

Dr. Peter K. Rogan Lab, Western University
No classification provided (evidence only). Condition: Nonpapillary renal cell carcinoma. Review status: no classification provided. Collection method: in vitro. Allele origin: not applicable. Functional consequence: retained intron. Not counted in ClinVar's aggregate classification.

Dr. Peter K. Rogan Lab, Western University
No classification provided (evidence only). Condition: Thymoma. Review status: no classification provided. Collection method: in vitro. Allele origin: not applicable. Functional consequence: skipped exon. Not counted in ClinVar's aggregate classification.

Dr. Peter K. Rogan Lab, Western University
No classification provided (evidence only). Condition: Uterine carcinosarcoma. Review status: no classification provided. Collection method: in vitro. Allele origin: not applicable. Functional consequence: skipped exon. Not counted in ClinVar's aggregate classification.

Genome Diagnostics Laboratory, University Medical Center Utrecht
Classification: Benign. Review status: no assertion criteria provided. Collection method: clinical testing. Allele origin: germline. Affected: yes. Study: VKGL Data-share Consensus. Not counted in ClinVar's aggregate classification.

Laboratory of Diagnostic Genome Analysis, Leiden University Medical Center (LUMC)
Classification: Likely benign. Review status: no assertion criteria provided. Collection method: clinical testing. Allele origin: germline. Affected: yes. Study: VKGL Data-share Consensus. Not counted in ClinVar's aggregate classification.

Literature cited by the submitters: PubMed 34148947 (cited by Clinical Genomics, Uppaluri K&H Personalized Medicine Clinic); PubMed 25846608 (cited by Clinical Genomics, Uppaluri K&H Personalized Medicine Clinic); PubMed 30421101 (cited by Clinical Genomics, Uppaluri K&H Personalized Medicine Clinic); PubMed 33669459 (cited by Clinical Genomics, Uppaluri K&H Personalized Medicine Clinic).

NM_001378454.1(ALMS1):c.11266G>A (p.Gly3756Ser)

Gene: ALMS1 (ALMS1 centrosome and basal body associated protein; plus strand). Cytogenetic location: 2p13.1.
Variant type: single nucleotide variant.
Coding change: c.11266G>A on transcript NM_001378454.1 (MANE Select); coding-DNA position 11266, G replaced by A.
Protein change: p.Gly3756Ser; replaces glycine 3756 with serine.
Molecular consequence: missense variant.
Genome position (GRCh38, 1-based): chr2:73,573,143, G>A. VCF-style: chr2-73573143-G-A. GRCh37 (hg19) VCF-style: chr2-73800270-G-A.
Other names: c.11269G>A, p.Gly3757Ser (NM_015120.4); short protein forms G3757S, G3756S.
Identifiers: ClinVar variation 220878 (VCV000220878.27), dbSNP rs34927702, ClinGen allele CA350666.